The following is an entry in ClinVar:

NM_021973.3(HAND2):c.76_96del (p.Ala26_Ala32del)

Genes: HAND2 (heart and neural crest derivatives expressed 2; minus strand), HAND2-AS1 (HAND2 antisense RNA 1; plus strand). Cytogenetic location: 4q34.1.
Variant type: Deletion.
Coding change: c.76_96del on transcript NM_021973.3 (MANE Select); coding-DNA positions 76 to 96, 21 bases deleted (GCAGCTGCCGCCGCCGCCGCC).
Protein change: p.Ala26_Ala32del.
Molecular consequence: inframe deletion.
Genome position (GRCh38, 1-based): chr4:173,529,194-173,529,214, GGCGGCGGCGGCGGCAGCTGC deleted on the plus strand (GCAGCTGCCGCCGCCGCCGCC on the coding strand, the reverse complement: HAND2 is on the minus strand); deleting any 21 consecutive bases within chr4:173,529,194-173,529,230 gives the same sequence; the c. name uses the placement nearest the transcript's 3' end. VCF-style (leftmost placement, unchanged base first): chr4-173529193-TGGCGGCGGCGGCGGCAGCTGC-T. GRCh37 (hg19) VCF-style: chr4-174450344-TGGCGGCGGCGGCGGCAGCTGC-T.
Identifiers: ClinVar variation 2066193 (VCV002066193.5), dbSNP rs745549935, ClinGen allele CA3141366.
Genomic context (GRCh38, chr4:173,529,193, plus strand): 5'-TCTCGGGGTGGCCGATGAGCCAGCCATGGAAGTAGGGGTTCTCCTCATGGCTGCAGCGGC[TGGCGGCGGCGGCGGCAGCTGC>T]GGCGGCGGCGGCGGCAAACGGGTAGCCCTCGTGGTGCACCACCGGGTGGTGGGGAAAACC-3'

ClinVar aggregate classification (germline): Conflicting classifications of pathogenicity. Review status: criteria provided, conflicting classifications (1 of 4 stars). 2 submissions from 2 submitters: Uncertain significance (1); Likely benign (1). Last evaluated 2025-01-27.

Submissions (2):

Labcorp Genetics (formerly Invitae), Labcorp
Classification: Uncertain significance. Last evaluated: 2025-01-27. Review status: criteria provided, single submitter. Criteria: Invitae Variant Classification Sherloc (09022015). Collection method: clinical testing. Allele origin: germline.
Comment: This variant, c.76_96del, results in the deletion of 7 amino acid(s) of the HAND2 protein (p.Ala26_Ala32del), but otherwise preserves the integrity of the reading frame. The frequency data for this variant in the population databases is considered unreliable, as metrics indicate poor data quality at this position in the gnomAD database. This variant has not been reported in the literature in individuals affected with HAND2-related conditions. ClinVar contains an entry for this variant (Variation ID: 2066193). Experimental studies and prediction algorithms are not available or were not evaluated, and the functional significance of this variant is currently unknown. In summary, the available evidence is currently insufficient to determine the role of this variant in disease. Therefore, it has been classified as a Variant of Uncertain Significance.

Blueprint Genetics
Classification: Likely benign. Last evaluated: 2024-11-19. Review status: criteria provided, single submitter. Criteria: ACMG Guidelines, 2015. Collection method: clinical testing. Allele origin: germline.